The following is an entry in ClinVar:

ClinVar aggregate classification (germline): Likely pathogenic (1 of 4 stars; one submission).

Conditions:
Duchenne muscular dystrophy (DMD). Also called: Duchenne Muscular Dystrophy (DMD); MUSCULAR DYSTROPHY, PSEUDOHYPERTROPHIC PROGRESSIVE, DUCHENNE TYPE. Identifiers: Orphanet 98896, MedGen C0013264, MONDO:0010679, OMIM 310200.

Submission:

Neuberg Centre For Genomic Medicine, NCGM
Classification: Likely pathogenic for Duchenne muscular dystrophy. Review status: criteria provided, single submitter. Criteria: ACMG Guidelines, 2015. Collection method: clinical testing. Allele origin: germline. Inheritance: X-linked recessive inheritance. Affected: yes.
Comment: This variant is predicted to cause loss of normal protein function through protein truncation. Loss of function variants in this gene have been previously reported to be disease causing (Hui Jin, et al., 2024). For these reason, this variant has been classified as Likely Pathogenic.

NM_004006.3(DMD):c.4527dup (p.Lys1510Ter)

Gene: DMD (dystrophin; minus strand). Cytogenetic location: Xp21.1.
Variant type: Duplication.
Coding change: c.4527dup on transcript NM_004006.3 (MANE Select); coding-DNA position 4527, one base duplicated (T; older notation c.4527dupT).
Protein change: p.Lys1510Ter; replaces lysine 1510 with a stop codon.
Molecular consequence: nonsense.
Genome position (GRCh38, 1-based): chrX:32,386,457, A duplicated on the plus strand (T on the coding strand, the reverse complement: DMD is on the minus strand). VCF-style (leftmost placement, unchanged base first): chrX-32386456-T-TA. GRCh37 (hg19) VCF-style: chrX-32404573-T-TA.
Other names: c.4503dup, p.Lys1502Ter (NM_000109.4); c.4515dup, p.Lys1506Ter (NM_004009.3); c.4158dup, p.Lys1387Ter (NM_004010.3); c.504dup, p.Lys169Ter (NM_004011.4); c.495dup, p.Lys166Ter (NM_004012.4); short protein forms K1387*, K1502*, K1506*, K1510*, K166*, K169*.
Identifiers: ClinVar variation 4086231 (VCV004086231.1).